The following is an entry in ClinVar:

ClinVar aggregate classification (germline): Likely pathogenic (1 of 4 stars; one submission).

Conditions:
Intellectual developmental disorder with dysmorphic facies and behavioral abnormalities. Identifiers: MedGen C4748135, MONDO:0060760, OMIM 618089.

Submission:

Victorian Clinical Genetics Services, Murdoch Childrens Research Institute
Classification: Likely pathogenic for Intellectual developmental disorder with dysmorphic facies and behavioral abnormalities. Last evaluated: 2026-01-19. Review status: criteria provided, single submitter. Criteria: ACMG Guidelines, 2015. Collection method: clinical testing. Allele origin: germline. Affected: yes.
Comment: This variant is classified as Likely pathogenic. Evidence in support of pathogenic classification: Variant is absent from gnomAD (v2, v3 and v4); Additional information: Variant is predicted to result in a missense amino acid change from Asp to Gly; This variant is heterozygous; This gene is associated with autosomal dominant disease; This variant has no previous evidence of pathogenicity; No published evidence of segregation with disease has been identified for this variant; No published functional evidence has been identified for this variant; No comparable missense variants have previous evidence for pathogenicity; Variant is not located in an established domain, motif, hotspot or informative constraint region; Missense variant with inconclusive in silico prediction and/or uninformative conservation; Loss of function is a known mechanism of disease in this gene and is associated with intellectual developmental disorder with dysmorphic facies and behavioural abnormalities (MIM#618089); Variants in this gene are known to have variable expressivity. This condition displays variable severity in phenotypes (PMID: 30057029).

Literature cited by the submitters: PubMed 30057029.

NM_001190274.2(FBXO11):c.1013A>G (p.Asp338Gly)

Gene: FBXO11 (F-box protein 11; minus strand). Cytogenetic location: 2p16.3.
Variant type: single nucleotide variant.
Coding change: c.1013A>G on transcript NM_001190274.2 (MANE Select); coding-DNA position 1013, A replaced by G.
Protein change: p.Asp338Gly; replaces aspartic acid 338 with glycine.
Molecular consequence: missense variant.
Genome position (GRCh38, 1-based): chr2:47,832,992, T>C on the plus strand (A>G on the coding strand, the complement: FBXO11 is on the minus strand). VCF-style: chr2-47832992-T-C. GRCh37 (hg19) VCF-style: chr2-48060131-T-C.
Other names: c.761A>G, p.Asp254Gly (NM_001374325.1, NM_025133.4); short protein forms D254G, D338G.
Identifiers: ClinVar variation 4818989 (VCV004818989.1).